The following is an entry in ClinVar:

ClinVar aggregate classification (germline): Likely pathogenic (1 of 4 stars; one submission).

Conditions:
Telangiectasia, hereditary hemorrhagic, type 1 (HHT1). Also called: Osler Weber Rendu syndrome type 1; ENG-Related Hereditary Hemorrhagic Telangiectasia. Identifiers: Orphanet 774, MedGen C4551861, MONDO:0008535, OMIM 187300. Disease mechanism: loss of function.

Submission:

Impact Genetics, Dynacare/LabCorp
Classification: Likely pathogenic for Telangiectasia, hereditary hemorrhagic, type 1. Last evaluated: 2024-07-17. Review status: criteria provided, single submitter. Criteria: DeMille et al. (Hum Mutat. 2024). Collection method: clinical testing. Allele origin: germline.
Comment: PVS1, PM2_supporting

NM_001114753.3(ENG):c.1055dup (p.Glu353fs)

Gene: ENG (endoglin; minus strand). Cytogenetic location: 9q34.11.
Variant type: Duplication.
Coding change: c.1055dup on transcript NM_001114753.3 (MANE Select); coding-DNA position 1055, one base duplicated (C; older notation c.1055dupC).
Protein change: p.Glu353fs; shifts the reading frame from glutamic acid 353.
Molecular consequence: frameshift variant.
Genome position (GRCh38, 1-based): chr9:127,824,383, G duplicated on the plus strand (C on the coding strand, the reverse complement: ENG is on the minus strand); the first of 3 consecutive G bases (chr9:127,824,383-127,824,385); duplicating any one gives the same sequence. VCF-style (leftmost placement, unchanged base first): chr9-127824382-C-CG. GRCh37 (hg19) VCF-style: chr9-130586661-C-CG.
Other names: c.1055dup, p.Glu353fs (NM_000118.4, NM_001406715.1); c.509dup, p.Glu171fs (NM_001278138.2); short protein forms E171fs, E353fs.
Identifiers: ClinVar variation 4070524 (VCV004070524.1).
Genomic context (GRCh38, chr9:127,824,382, plus strand): 5'-TAGTACCAGGGTCATGGCGTCGTCGGCACACTTTGTCTGGATCAAGGACATGAGCAGCTC[C>CG]GGGCTACAAGTGTCCTTGGGAGGAGTGGTCTGGATCGGTGCGGGTGAGGTCTGCAGCCTA-3'